The following is an entry in ClinVar:

NM_001349338.3(FOXP1):c.1096A>G (p.Met366Val)

Gene: FOXP1 (forkhead box P1; minus strand). Cytogenetic location: 3p13.
Variant type: single nucleotide variant.
Coding change: c.1096A>G on transcript NM_001349338.3 (MANE Select); coding-DNA position 1096, A replaced by G.
Protein change: p.Met366Val; replaces methionine 366 with valine.
Molecular consequence: missense variant. On other transcripts: non-coding transcript variant (2).
Genome position (GRCh38, 1-based): chr3:70,988,044, T>C on the plus strand (A>G on the coding strand, the complement: FOXP1 is on the minus strand). VCF-style: chr3-70988044-T-C. GRCh37 (hg19) VCF-style: chr3-71037195-T-C.
Other names: c.1096A>G, p.Met366Val (NM_001244808.3, NM_001244810.2, NM_001244814.3 and 3 more transcripts); c.868A>G, p.Met290Val (NM_001244812.3); c.796A>G, p.Met266Val (NM_001244813.3, NM_001244815.2, NM_001349342.3 and 1 more transcripts); c.793A>G, p.Met265Val (NM_001349337.2, NM_001349343.3, NM_001349344.3); c.1093A>G, p.Met365Val (NM_001349341.3); short protein forms M265V, M290V, M365V, M266V, M366V.
Identifiers: ClinVar variation 944907 (VCV000944907.6), dbSNP rs2040037008, ClinGen allele CA353494695.

ClinVar aggregate classification (germline): Likely pathogenic (1 of 4 stars; one submission).

Submission:

Labcorp Genetics (formerly Invitae), Labcorp
Classification: Likely pathogenic. Last evaluated: 2019-07-13. Review status: criteria provided, single submitter. Criteria: Invitae Variant Classification Sherloc (09022015). Collection method: clinical testing. Allele origin: germline.
Comment: In summary, the currently available evidence indicates that the variant is pathogenic, but additional data are needed to prove that conclusively. Therefore, this variant has been classified as Likely Pathogenic. Algorithms developed to predict the effect of sequence changes on RNA splicing suggest that this variant may create or strengthen a splice site, but this prediction has not been confirmed by published transcriptional studies. Algorithms developed to predict the effect of missense changes on protein structure and function (SIFT, PolyPhen-2, Align-GVGD) all suggest that this variant is likely to be tolerated, but these predictions have not been confirmed by published functional studies and their clinical significance is uncertain. This variant is not present in population databases (ExAC no frequency). This sequence change replaces methionine with valine at codon 366 of the FOXP1 protein (p.Met366Val). The methionine residue is highly conserved and there is a small physicochemical difference between methionine and valine.